The following is an entry in ClinVar:

ClinVar aggregate classification (germline): Uncertain significance (1 of 4 stars; one submission).

Submission:

Labcorp Genetics (formerly Invitae), Labcorp
Classification: Uncertain significance. Last evaluated: 2023-07-10. Review status: criteria provided, single submitter. Criteria: Invitae Variant Classification Sherloc (09022015). Collection method: clinical testing. Allele origin: germline.
Comment: This sequence change replaces serine, which is neutral and polar, with isoleucine, which is neutral and non-polar, at codon 391 of the RASGRP1 protein (p.Ser391Ile). In summary, the available evidence is currently insufficient to determine the role of this variant in disease. Therefore, it has been classified as a Variant of Uncertain Significance. Advanced modeling of protein sequence and biophysical properties (such as structural, functional, and spatial information, amino acid conservation, physicochemical variation, residue mobility, and thermodynamic stability) performed at Invitae indicates that this missense variant is not expected to disrupt RASGRP1 protein function. ClinVar contains an entry for this variant (Variation ID: 1472617). This variant has not been reported in the literature in individuals affected with RASGRP1-related conditions. This variant is not present in population databases (gnomAD no frequency).

NM_005739.4(RASGRP1):c.1172G>T (p.Ser391Ile)

Gene: RASGRP1 (RAS guanyl releasing protein 1; minus strand). Cytogenetic location: 15q14.
Variant type: single nucleotide variant.
Coding change: c.1172G>T on transcript NM_005739.4 (MANE Select); coding-DNA position 1172, G replaced by T.
Protein change: p.Ser391Ile; replaces serine 391 with isoleucine.
Molecular consequence: missense variant.
Genome position (GRCh38, 1-based): chr15:38,507,796, C>A on the plus strand (G>T on the coding strand, the complement: RASGRP1 is on the minus strand). VCF-style: chr15-38507796-C-A. GRCh37 (hg19) VCF-style: chr15-38799997-C-A.
Other names: c.1172G>T, p.Ser391Ile (NM_001128602.2, NM_001306086.2); short protein forms S391I.
Identifiers: ClinVar variation 1472617 (VCV001472617.8), dbSNP rs753411664, ClinGen allele CA391666080.